The following is an entry in ClinVar:

NM_014425.5(INVS):c.172G>C (p.Ala58Pro)

Gene: INVS (inversin; plus strand). Cytogenetic location: 9q31.1.
Variant type: single nucleotide variant.
Coding change: c.172G>C on transcript NM_014425.5 (MANE Select); coding-DNA position 172, G replaced by C.
Protein change: p.Ala58Pro; replaces alanine 58 with proline.
Molecular consequence: missense variant. On other transcripts: 5 prime UTR variant (2), non-coding transcript variant (1).
Genome position (GRCh38, 1-based): chr9:100,126,448, G>C. VCF-style: chr9-100126448-G-C. GRCh37 (hg19) VCF-style: chr9-102888730-G-C.
Other names: c.-205G>C (NM_001318381.2); c.-818G>C (NM_001318382.2); short protein forms A58P.
Identifiers: ClinVar variation 4276075 (VCV004276075.1).
Genomic context (GRCh38, chr9:100,126,448, plus strand): 5'-TCTGCTCTTAAAGACAAAGAAGATCAGTTTGGGAGAACACCACTTATGTATTGCGTGTTG[G>C]CTGACAGATTGGATTGTGCAGATGCTCTTCTGAAGGCAGGAGCAGATGTGAATAAAACTG-3'
Protein context (NP_055240.2, residues 48-68): GRTPLMYCVL[Ala58Pro]DRLDCADALL

ClinVar aggregate classification (germline): Uncertain significance (1 of 4 stars; one submission).

Conditions:
Inborn genetic diseases. Identifiers: MedGen C0950123, MeSH D030342.

gnomAD v4.1: 2 of 1,613,970 alleles (0.00012%); highest among the groups gnomAD compares: East Asian, 0.0045%; no homozygotes.

Submission:

Ambry Genetics
Classification: Uncertain significance for Inborn genetic diseases. Last evaluated: 2025-07-10. Review status: criteria provided, single submitter. Criteria: Ambry Variant Classification Scheme 2023. Collection method: clinical testing. Allele origin: germline.
Comment: The c.172G>C (p.A58P) alteration is located in exon 3 (coding exon 2) of the INVS gene. This alteration results from a G to C substitution at nucleotide position 172, causing the alanine (A) at amino acid position 58 to be replaced by a proline (P). Based on data from gnomAD, the C allele has an overall frequency of 0.001% (3/282846) total alleles studied. The highest observed frequency was 0.015% (3/19954) of East Asian alleles. This amino acid position is highly conserved in available vertebrate species. This alteration is predicted to be deleterious by in silico analysis. Based on insufficient or conflicting evidence, the clinical significance of this alteration remains unclear.